The following is an entry in ClinVar:

ClinVar aggregate classification (germline): Uncertain significance. Review status: criteria provided, multiple submitters, no conflicts (2 of 4 stars). 2 submissions from 2 submitters: Uncertain significance (2). Last evaluated 2025-02-18.

Conditions:
Emery-Dreifuss muscular dystrophy 5, autosomal dominant (EDMD5). Also called: EMERY-DREIFUSS MUSCULAR DYSTROPHY 5. Identifiers: Orphanet 261, MedGen C2751805, MONDO:0013072, OMIM 612999.

Allele frequency attached by ClinVar (database versions not stated): gnomAD exomes below 0.00001 and 0.00002; gnomAD 0.00001; TOPMed 0.00001; ExAC 0.00002.
gnomAD v4.1: 8 of 1,614,056 alleles (0.0005%); highest among the groups gnomAD compares: Admixed American, 0.0033%; 1 homozygote.

Submissions (2):

Ambry Genetics
Classification: Uncertain significance. Last evaluated: 2025-02-18. Review status: criteria provided, single submitter. Criteria: Ambry Variant Classification Scheme 2023. Collection method: clinical testing. Allele origin: germline.

Labcorp Genetics (formerly Invitae), Labcorp
Classification: Uncertain significance for Emery-Dreifuss muscular dystrophy 5, autosomal dominant. Last evaluated: 2024-07-31. Review status: criteria provided, single submitter. Criteria: Invitae Variant Classification Sherloc (09022015). Collection method: clinical testing. Allele origin: germline.
Comment: This sequence change replaces leucine, which is neutral and non-polar, with isoleucine, which is neutral and non-polar, at codon 5854 of the SYNE2 protein (p.Leu5854Ile). This variant is present in population databases (rs773797629, gnomAD 0.003%). This variant has not been reported in the literature in individuals affected with SYNE2-related conditions. ClinVar contains an entry for this variant (Variation ID: 470951). An algorithm developed to predict the effect of missense changes on protein structure and function (PolyPhen-2) suggests that this variant is likely to be disruptive. In summary, the available evidence is currently insufficient to determine the role of this variant in disease. Therefore, it has been classified as a Variant of Uncertain Significance.

NM_182914.3(SYNE2):c.17560C>A (p.Leu5854Ile)

Gene: SYNE2 (spectrin repeat containing nuclear envelope protein 2; plus strand). Cytogenetic location: 14q23.2.
Variant type: single nucleotide variant.
Coding change: c.17560C>A on transcript NM_182914.3 (MANE Select); coding-DNA position 17560, C replaced by A.
Protein change: p.Leu5854Ile; replaces leucine 5854 with isoleucine.
Molecular consequence: missense variant.
Genome position (GRCh38, 1-based): chr14:64,186,427, C>A. VCF-style: chr14-64186427-C-A. GRCh37 (hg19) VCF-style: chr14-64653145-C-A.
Other names: c.17560C>A, p.Leu5854Ile (NM_015180.6); short protein forms L5854I.
Identifiers: ClinVar variation 470951 (VCV000470951.9), dbSNP rs773797629, ClinGen allele CA7223760.
Genomic context (GRCh38, chr14:64,186,427, plus strand): 5'-GAAACAACAGCCGCTTGAGTTGAAGGCTTTTTACCCCCTTCTTGTGATTAAATGCAGGAA[C>A]TAGAACAGTCTTTGGCTAGCTGGACTCAGAACTTGAAAGAACTTCAAACTATGAAGGCGG-3'
Protein context (NP_878918.2, residues 5844-5864): LHNEKELIKE[Leu5854Ile]EQSLASWTQN